The following is an entry in ClinVar:

NM_001126111.3(OSGIN2):c.681A>G (p.Val227=)

Gene: OSGIN2 (oxidative stress induced growth inhibitor family member 2; plus strand). Cytogenetic location: 8q21.3.
Variant type: single nucleotide variant.
Coding change: c.681A>G on transcript NM_001126111.3 (MANE Select); coding-DNA position 681, A replaced by G.
Protein change: p.Val227=; no amino-acid change (valine 227 retained).
Molecular consequence: synonymous variant.
Genome position (GRCh38, 1-based): chr8:89,924,563, A>G. VCF-style: chr8-89924563-A-G. GRCh37 (hg19) VCF-style: chr8-90936791-A-G.
Other names: c.549A>G, p.Val183= (NM_004337.2).
Identifiers: ClinVar variation 4533741 (VCV004533741.6).

ClinVar aggregate classification (germline): Likely benign (1 of 4 stars; one submission).

Submission:

CeGaT Center for Human Genetics Tuebingen
Classification: Likely benign. Last evaluated: 2026-01-01. Review status: criteria provided, single submitter. Criteria: CeGaT Center For Human Genetics Tuebingen Variant Classification Criteria Version 2. Collection method: clinical testing. Allele origin: germline. Affected: yes. Observed: 2 variant alleles.
Comment: OSGIN2: BP4, BP7